The following is an entry in ClinVar:

NM_004304.5(ALK):c.4479C>A (p.His1493Gln)

Gene: ALK (ALK receptor tyrosine kinase; minus strand). Cytogenetic location: 2p23.2.
Variant type: single nucleotide variant.
Coding change: c.4479C>A on transcript NM_004304.5 (MANE Select); coding-DNA position 4479, C replaced by A.
Protein change: p.His1493Gln; replaces histidine 1493 with glutamine.
Molecular consequence: missense variant.
Genome position (GRCh38, 1-based): chr2:29,193,608, G>T on the plus strand (C>A on the coding strand, the complement: ALK is on the minus strand). VCF-style: chr2-29193608-G-T. GRCh37 (hg19) VCF-style: chr2-29416474-G-T.
Other names: c.1275C>A, p.His425Gln (NM_001353765.2); short protein forms H1493Q, H425Q.
Identifiers: ClinVar variation 2883919 (VCV002883919.3), dbSNP rs2148138174, ClinGen allele CA346461949.
Genomic context (GRCh38, chr2:29,193,608, plus strand): 5'-CTCTGTAAACCAGGAGCCGTACGTTGGGTTCCACAAGCTGGTGGGCTTGTTTCTGGATCC[G>T]TGGACCTTGTGCAACTCCGAAGGAGGGTTGGACTGAGAGAATGCCATATTCACGTGTCCC-3'
Protein context (NP_004295.2, residues 1483-1503): SNPPSELHKV[His1493Gln]GSRNKPTSLW

ClinVar aggregate classification (germline): Uncertain significance (1 of 4 stars; one submission).

Conditions:
Neuroblastoma, susceptibility to, 3. Also called: ALK-Related Neuroblastic Tumor Susceptibility. Identifiers: Orphanet 635, MedGen C2751681, MONDO:0013083, OMIM 613014.

gnomAD v4.1: 1 of 1,614,224 alleles (0.000062%); highest among the groups gnomAD compares: Non-Finnish European, 0.000085%; no homozygotes.

Submission:

Labcorp Genetics (formerly Invitae), Labcorp
Classification: Uncertain significance for Neuroblastoma, susceptibility to, 3. Last evaluated: 2023-04-28. Review status: criteria provided, single submitter. Criteria: Invitae Variant Classification Sherloc (09022015). Collection method: clinical testing. Allele origin: germline.
Comment: This variant is not present in population databases (gnomAD no frequency). This sequence change replaces histidine, which is basic and polar, with glutamine, which is neutral and polar, at codon 1493 of the ALK protein (p.His1493Gln). This variant has not been reported in the literature in individuals affected with ALK-related conditions. Algorithms developed to predict the effect of missense changes on protein structure and function output the following: SIFT: "Not Available"; PolyPhen-2: "Benign"; Align-GVGD: "Not Available". The glutamine amino acid residue is found in multiple mammalian species, which suggests that this missense change does not adversely affect protein function. In summary, the available evidence is currently insufficient to determine the role of this variant in disease. Therefore, it has been classified as a Variant of Uncertain Significance.